The following is an entry in ClinVar:

NM_004958.4(MTOR):c.7275C>A (p.Pro2425=)

Gene: MTOR (mechanistic target of rapamycin kinase; minus strand). Cytogenetic location: 1p36.22.
Variant type: single nucleotide variant.
Coding change: c.7275C>A on transcript NM_004958.4 (MANE Select); coding-DNA position 7275, C replaced by A.
Protein change: p.Pro2425=; no amino-acid change (proline 2425 retained).
Molecular consequence: synonymous variant.
Genome position (GRCh38, 1-based): chr1:11,114,343, G>T on the plus strand (C>A on the coding strand, the complement: MTOR is on the minus strand). VCF-style: chr1-11114343-G-T. GRCh37 (hg19) VCF-style: chr1-11174400-G-T.
Other names: c.7275C>A, p.Pro2425= (NM_001386500.1); c.6027C>A, p.Pro2009= (NM_001386501.1).
Identifiers: ClinVar variation 2638219 (VCV002638219.24), dbSNP rs2100315001, ClinGen allele CA415917840.

ClinVar aggregate classification (germline): Likely benign (1 of 4 stars; one submission).

Allele frequency attached by ClinVar (database versions not stated): gnomAD exomes below 0.00001.
gnomAD v4.1: 1 of 1,614,130 alleles (0.000062%); highest among the groups gnomAD compares: Non-Finnish European, 0.000085%; no homozygotes.

Submission:

CeGaT Center for Human Genetics Tuebingen
Classification: Likely benign. Last evaluated: 2022-09-01. Review status: criteria provided, single submitter. Criteria: CeGaT Center For Human Genetics Tuebingen Variant Classification Criteria Version 2. Collection method: clinical testing. Allele origin: germline. Affected: yes. Observed: 1 variant allele.
Comment: MTOR: PM2:Supporting, BP4, BP7